The following is an entry in ClinVar:

NM_020831.6(MRTFA):c.1978C>G (p.Arg660Gly)

Gene: MRTFA (myocardin related transcription factor A; minus strand). Cytogenetic location: 22q13.1.
Variant type: single nucleotide variant.
Coding change: c.1978C>G on transcript NM_020831.6 (MANE Select); coding-DNA position 1978, C replaced by G.
Protein change: p.Arg660Gly; replaces arginine 660 with glycine.
Molecular consequence: missense variant.
Genome position (GRCh38, 1-based): chr22:40,418,760, G>C on the plus strand (C>G on the coding strand, the complement: MRTFA is on the minus strand). VCF-style: chr22-40418760-G-C. GRCh37 (hg19) VCF-style: chr22-40814764-G-C.
Other names: c.1678C>G, p.Arg560Gly (NM_001282660.2); c.1828C>G, p.Arg610Gly (NM_001282661.3); c.1978C>G, p.Arg660Gly (NM_001282662.3); c.1783C>G, p.Arg595Gly (NM_001318139.2); short protein forms R660G, R595G, R610G, R560G.
Identifiers: ClinVar variation 1952119 (VCV001952119.5), dbSNP rs2517814538, ClinGen allele CA411659024.

ClinVar aggregate classification (germline): Uncertain significance (1 of 4 stars; one submission).

Allele frequency attached by ClinVar (database versions not stated): gnomAD exomes below 0.00001.
gnomAD v4.1: 1 of 1,538,708 alleles (0.000065%); highest among the groups gnomAD compares: East Asian, 0.0024%; no homozygotes.

Submission:

Labcorp Genetics (formerly Invitae), Labcorp
Classification: Uncertain significance. Last evaluated: 2022-01-04. Review status: criteria provided, single submitter. Criteria: Invitae Variant Classification Sherloc (09022015). Collection method: clinical testing. Allele origin: germline.
Comment: This sequence change replaces arginine, which is basic and polar, with glycine, which is neutral and non-polar, at codon 560 of the MKL1 protein (p.Arg560Gly). In summary, the available evidence is currently insufficient to determine the role of this variant in disease. Therefore, it has been classified as a Variant of Uncertain Significance. Algorithms developed to predict the effect of missense changes on protein structure and function (SIFT, PolyPhen-2, Align-GVGD) all suggest that this variant is likely to be tolerated. This variant has not been reported in the literature in individuals affected with MKL1-related conditions. This variant is not present in population databases (gnomAD no frequency).